The following is an entry in ClinVar:

ClinVar aggregate classification (germline): Uncertain significance (0 of 4 stars; one submission).

Conditions:
CREBBP-related disorder. Also called: CREBBP-related condition; CREBBP-related disorders.

Submission:

PreventionGenetics, part of Exact Sciences
Classification: Uncertain significance for CREBBP-related condition. Last evaluated: 2024-07-27. Review status: no assertion criteria provided. Collection method: clinical testing. Allele origin: germline.
Comment: The CREBBP c.1720C>G variant is predicted to result in the amino acid substitution p.Leu574Val. To our knowledge, this variant has not been reported in the literature or in a large population database, indicating this variant is rare. At this time, the clinical significance of this variant is uncertain due to the absence of conclusive functional and genetic evidence.

NM_004380.3(CREBBP):c.1720C>G (p.Leu574Val)

Genes: CREBBP (CREB binding lysine acetyltransferase; minus strand), LOC130058353 (ATAC-STARR-seq lymphoblastoid active region 10333; plus strand). Cytogenetic location: 16p13.3.
Variant type: single nucleotide variant.
Coding change: c.1720C>G on transcript NM_004380.3 (MANE Select); coding-DNA position 1720, C replaced by G.
Protein change: p.Leu574Val; replaces leucine 574 with valine.
Molecular consequence: missense variant.
Genome position (GRCh38, 1-based): chr16:3,780,835, G>C on the plus strand (C>G on the coding strand, the complement: CREBBP is on the minus strand). VCF-style: chr16-3780835-G-C. GRCh37 (hg19) VCF-style: chr16-3830836-G-C.
Other names: c.1606C>G, p.Leu536Val (NM_001079846.1); short protein forms L536V, L574V.
Identifiers: ClinVar variation 3357916 (VCV003357916.1).